The following is an entry in ClinVar:

ClinVar aggregate classification (germline): Likely benign. Review status: criteria provided, single submitter (1 of 4 stars). 2 submissions from 2 submitters: Likely benign (1). 1 of the submissions does not count toward it. Last evaluated 2022-09-19.

Conditions:
NEFH-related disorder. Also called: NEFH-related condition.

Allele frequency attached by ClinVar (database versions not stated): gnomAD 0.00001; gnomAD exomes 0.00001; TOPMed 0.00001; ESP Exome Variant Server 0.00008.
gnomAD v4.1: 10 of 1,613,996 alleles (0.00062%); highest among the groups gnomAD compares: Non-Finnish European, 0.00085%; no homozygotes.

Submissions (2):

Labcorp Genetics (formerly Invitae), Labcorp
Classification: Likely benign. Last evaluated: 2022-09-19. Review status: criteria provided, single submitter. Criteria: Invitae Variant Classification Sherloc (09022015). Collection method: clinical testing. Allele origin: germline.

PreventionGenetics, part of Exact Sciences
Classification: Likely benign for NEFH-related condition. Last evaluated: 2024-05-08. Review status: no assertion criteria provided. Collection method: clinical testing. Allele origin: germline. Not counted in ClinVar's aggregate classification.
Comment: This variant is classified as likely benign based on ACMG/AMP sequence variant interpretation guidelines (Richards et al. 2015 PMID: 25741868, with internal and published modifications).

NM_021076.4(NEFH):c.3018G>A (p.Lys1006=)

Gene: NEFH (neurofilament heavy chain; plus strand). Cytogenetic location: 22q12.2.
Variant type: single nucleotide variant.
Coding change: c.3018G>A on transcript NM_021076.4 (MANE Select); coding-DNA position 3018, G replaced by A.
Protein change: p.Lys1006=; no amino-acid change (lysine 1006 retained).
Molecular consequence: synonymous variant.
Genome position (GRCh38, 1-based): chr22:29,490,658, G>A. VCF-style: chr22-29490658-G-A. GRCh37 (hg19) VCF-style: chr22-29886647-G-A.
Other names: c.3018G>A (NM_021076.3).
Identifiers: ClinVar variation 1938691 (VCV001938691.6), dbSNP rs373324564, ClinGen allele CA323089434.